The following is an entry in ClinVar:

ClinVar aggregate classification (germline): Uncertain significance (1 of 4 stars; one submission).

Submission:

Women's Health and Genetics/Laboratory Corporation of America, LabCorp
Classification: Uncertain significance. Last evaluated: 2025-03-26. Review status: criteria provided, single submitter. Criteria: LabCorp Variant Classification Summary - May 2015. Collection method: clinical testing. Allele origin: germline.
Comment: Variant summary: RAB39B c.-7C>T is located in the untranslated mRNA region upstream of the initiation codon. The variant was absent in 181904 control chromosomes (gnomAD). The available data on variant occurrences in the general population are insufficient to allow any conclusion about variant significance. To our knowledge, no occurrence of c.-7C>T in individuals affected with RAB39B Related Disorders and no experimental evidence demonstrating its impact on protein function have been reported. No submitters have cited clinical-significance assessments for this variant to ClinVar. Based on the evidence outlined above, the variant was classified as uncertain significance.

NM_171998.4(RAB39B):c.-7C>T

Genes: RAB39B (RAB39B, member RAS oncogene family; minus strand), LOC130068896 (ATAC-STARR-seq lymphoblastoid silent region 21124; plus strand). Cytogenetic location: Xq28.
Variant type: single nucleotide variant.
Coding change: c.-7C>T on transcript NM_171998.4 (MANE Select); 7 bases upstream of the start codon, C replaced by T.
Molecular consequence: 5 prime UTR variant.
Genome position (GRCh38, 1-based): chrX:155,264,295, G>A on the plus strand (C>T on the coding strand, the complement: RAB39B is on the minus strand). VCF-style: chrX-155264295-G-A. GRCh37 (hg19) VCF-style: chrX-154493580-G-A.
Identifiers: ClinVar variation 3895939 (VCV003895939.1).